The following is an entry in ClinVar:

ClinVar aggregate classification (germline): Uncertain significance (1 of 4 stars; one submission).

Submission:

Labcorp Genetics (formerly Invitae), Labcorp
Classification: Uncertain significance. Last evaluated: 2022-02-19. Review status: criteria provided, single submitter. Criteria: Invitae Variant Classification Sherloc (09022015). Collection method: clinical testing. Allele origin: germline.
Comment: This variant has not been reported in the literature in individuals affected with FOXI3-related conditions. This variant is not present in population databases (gnomAD no frequency). This sequence change creates a premature translational stop signal (p.Gln111Alafs*67) in the FOXI3 gene. It is expected to result in an absent or disrupted protein product. However, the current clinical and genetic evidence is not sufficient to establish whether loss-of-function variants in FOXI3 cause disease. Experimental studies and prediction algorithms are not available or were not evaluated, and the functional significance of this variant is currently unknown. In summary, the available evidence is currently insufficient to determine the role of this variant in disease. Therefore, it has been classified as a Variant of Uncertain Significance.

NM_001135649.3(FOXI3):c.330_331del (p.Gln111fs)

Gene: FOXI3 (forkhead box I3; minus strand). Cytogenetic location: 2p11.2.
Variant type: Microsatellite.
Coding change: c.330_331del on transcript NM_001135649.3 (MANE Select); coding-DNA positions 330 to 331, 2 bases deleted (GC; older notation c.330_331delGC).
Protein change: p.Gln111fs; shifts the reading frame from glutamine 111.
Molecular consequence: frameshift variant.
Genome position (GRCh38, 1-based): chr2:88,452,205-88,452,206, GC deleted on the plus strand (GC on the coding strand, the reverse complement: FOXI3 is on the minus strand); deleting any 2 consecutive bases within chr2:88,452,205-88,452,209 gives the same sequence; the c. name uses the placement nearest the transcript's 3' end. VCF-style (leftmost placement, unchanged base first): chr2-88452204-TGC-T. GRCh37 (hg19) VCF-style: chr2-88751723-TGC-T.
Other names: short protein forms Q111fs.
Identifiers: ClinVar variation 2099752 (VCV002099752.4), dbSNP rs2528917127, ClinGen allele CA2580611676.
Genomic context (GRCh38, chr2:88,452,204, plus strand): 5'-CAGCCCAGCTCCCCGGGCCCCGCGGGCGCGGCGGGCGAGGCGGGCGCGGCGGGCGCGGGC[TGC>T]GCGAAGGGCCGCTGAGAGCAGCCGAAGGTGCCGGCGGCAGGCGGTGGCTGCAGAAAGGGC-3'